The following is an entry in ClinVar:

ClinVar aggregate classification (germline): Pathogenic. Review status: criteria provided, multiple submitters, no conflicts (2 of 4 stars). 4 submissions from 4 submitters: Pathogenic (4). Last evaluated 2025-06-29.

Conditions:
Hereditary hemorrhagic telangiectasia (HHT). Also called: ORW DISEASE; Osler Weber Rendu syndrome; OSLER-RENDU-WEBER DISEASE; Osler hemorrhagic telangiectasia syndrome. Identifiers: Orphanet 774, MedGen C0039445, MONDO:0019180. Disease mechanism: loss of function.
Telangiectasia, hereditary hemorrhagic, type 1 (HHT1). Also called: Osler Weber Rendu syndrome type 1; ENG-Related Hereditary Hemorrhagic Telangiectasia. Identifiers: Orphanet 774, MedGen C4551861, MONDO:0008535, OMIM 187300. Disease mechanism: loss of function.

Submissions (4):

Labcorp Genetics (formerly Invitae), Labcorp
Classification: Pathogenic for Hereditary hemorrhagic telangiectasia. Last evaluated: 2025-06-29. Review status: criteria provided, single submitter. Criteria: Invitae Variant Classification Sherloc (09022015). Collection method: clinical testing. Allele origin: germline.
Comment: This sequence change affects an acceptor splice site in intron 7 of the ENG gene. It is expected to disrupt RNA splicing. Variants that disrupt the donor or acceptor splice site typically lead to a loss of protein function (PMID: 16199547), and loss-of-function variants in ENG are known to be pathogenic (PMID: 15879500). This variant is not present in population databases (gnomAD no frequency). Disruption of this splice site has been observed in individuals with hereditary hemorrhagic telangiectasia (internal data). ClinVar contains an entry for this variant (Variation ID: 663310). Algorithms developed to predict the effect of sequence changes on RNA splicing suggest that this variant may disrupt the consensus splice site. For these reasons, this variant has been classified as Pathogenic.

Mayo Clinic Laboratories, Mayo Clinic
Classification: Pathogenic. Last evaluated: 2024-07-29. Review status: criteria provided, single submitter. Criteria: ACMG Guidelines, 2015. Collection method: clinical testing. Allele origin: germline. Observed: 3 variant alleles.
Comment: PM2_supporting, PS4_moderate, PVS1

GeneDx
Classification: Pathogenic. Last evaluated: 2021-02-12. Review status: criteria provided, single submitter. Criteria: GeneDx Variant Classification Process June 2021. Collection method: clinical testing. Allele origin: germline. Affected: yes.
Comment: Has not been previously published as pathogenic or benign to our knowledge; Not observed in large population cohorts (Lek et al., 2016); Canonical splice site variant predicted to result in a null allele in a gene for which loss-of-function is a known mechanism of disease; Reported in ClinVar as a pathogenic variant (ClinVar Variant ID# 663310; Landrum et al., 2016)

NIHR Bioresource Rare Diseases, University of Cambridge
Classification: Pathogenic for Telangiectasia, hereditary hemorrhagic, type 1. Last evaluated: 2018-01-01. Review status: criteria provided, single submitter. Criteria: ACMG Guidelines, 2015. Collection method: research. Allele origin: unknown. Affected: yes. Observed: 1 variant allele.
Comment: PVS1+PM2+PP4

Literature cited by the submitters: PubMed 16199547 (cited by Labcorp Genetics (formerly Invitae), Labcorp); PubMed 15879500 (cited by Labcorp Genetics (formerly Invitae), Labcorp); PubMed 16705692 (cited by Mayo Clinic Laboratories, Mayo Clinic); PubMed 19270816 (cited by Mayo Clinic Laboratories, Mayo Clinic); PubMed 22991266 (cited by Mayo Clinic Laboratories, Mayo Clinic); PubMed 32573726 (cited by Mayo Clinic Laboratories, Mayo Clinic and NIHR Bioresource Rare Diseases, University of Cambridge).

NM_001114753.3(ENG):c.992-2A>G

Gene: ENG (endoglin; minus strand). Cytogenetic location: 9q34.11.
Variant type: single nucleotide variant.
Coding change: c.992-2A>G on transcript NM_001114753.3 (MANE Select); the canonical splice acceptor site of the intron before coding-DNA position 992, A replaced by G.
Molecular consequence: splice acceptor variant.
Genome position (GRCh38, 1-based): chr9:127,824,448, T>C on the plus strand (A>G on the coding strand, the complement: ENG is on the minus strand). VCF-style: chr9-127824448-T-C. GRCh37 (hg19) VCF-style: chr9-130586727-T-C.
Other names: c.992-2A>G (NM_001114753.2, NM_000118.4, NM_001406715.1); c.446-2A>G (NM_001278138.2).
Identifiers: ClinVar variation 663310 (VCV000663310.19), dbSNP rs1588580932, ClinGen allele CA374981785.
Genomic context (GRCh38, chr9:127,824,448, plus strand): 5'-ACAAGTGTCCTTGGGAGGAGTGGTCTGGATCGGTGCGGGTGAGGTCTGCAGCCTACCACC[T>C]GTGGGGTAGCAGAGGCAGGCCAGGCGGCTGGTCACTGTGTGATCACTGTGTGCCCGCACC-3'